The following is an entry in ClinVar:

NM_016653.3(MAP3K20):c.464C>T (p.Ser155Phe)

Gene: MAP3K20 (mitogen-activated protein kinase kinase kinase 20; plus strand). Cytogenetic location: 2q31.1.
Variant type: single nucleotide variant.
Coding change: c.464C>T on transcript NM_016653.3 (MANE Select); coding-DNA position 464, C replaced by T.
Protein change: p.Ser155Phe; replaces serine 155 with phenylalanine.
Molecular consequence: missense variant.
Genome position (GRCh38, 1-based): chr2:173,191,059, C>T. VCF-style: chr2-173191059-C-T. GRCh37 (hg19) VCF-style: chr2-174055787-C-T.
Other names: c.464C>T, p.Ser155Phe (NM_133646.3); short protein forms S155F.
Identifiers: ClinVar variation 2825831 (VCV002825831.3), dbSNP rs2468150816, ClinGen allele CA349313124.

ClinVar aggregate classification (germline): Uncertain significance (1 of 4 stars; one submission).

Submission:

Labcorp Genetics (formerly Invitae), Labcorp
Classification: Uncertain significance. Last evaluated: 2023-01-01. Review status: criteria provided, single submitter. Criteria: Invitae Variant Classification Sherloc (09022015). Collection method: clinical testing. Allele origin: germline.
Comment: In summary, the available evidence is currently insufficient to determine the role of this variant in disease. Therefore, it has been classified as a Variant of Uncertain Significance. Experimental studies and prediction algorithms are not available or were not evaluated, and the functional significance of this variant is currently unknown. This variant has not been reported in the literature in individuals affected with MAP3K20-related conditions. This variant is not present in population databases (gnomAD no frequency). This sequence change replaces serine, which is neutral and polar, with phenylalanine, which is neutral and non-polar, at codon 155 of the MAP3K20 protein (p.Ser155Phe).